The following is an entry in ClinVar:

ClinVar aggregate classification (germline): Uncertain significance. Review status: criteria provided, multiple submitters, no conflicts (2 of 4 stars). 4 submissions from 4 submitters: Uncertain significance (4). Last evaluated 2025-09-14.

Conditions:
MYO3A-related disorder. Also called: MYO3A-related condition.

Allele frequency attached by ClinVar (database versions not stated): TOPMed 0.00007; ESP Exome Variant Server 0.00008.
gnomAD v4.1: 207 of 1,613,298 alleles (0.013%); highest among the groups gnomAD compares: Non-Finnish European, 0.017%; no homozygotes.

Submissions (4):

Labcorp Genetics (formerly Invitae), Labcorp
Classification: Uncertain significance. Last evaluated: 2025-09-14. Review status: criteria provided, single submitter. Criteria: Invitae Variant Classification Sherloc (09022015). Collection method: clinical testing. Allele origin: germline.
Comment: This sequence change replaces alanine, which is neutral and non-polar, with threonine, which is neutral and polar, at codon 1064 of the MYO3A protein (p.Ala1064Thr). This variant is present in population databases (rs149468017, gnomAD 0.01%). This variant has not been reported in the literature in individuals affected with MYO3A-related conditions. ClinVar contains an entry for this variant (Variation ID: 2085928). Invitae Evidence Modeling of protein sequence and biophysical properties (such as structural, functional, and spatial information, amino acid conservation, physicochemical variation, residue mobility, and thermodynamic stability) indicates that this missense variant is not expected to disrupt MYO3A protein function with a negative predictive value of 80%. In summary, the available evidence is currently insufficient to determine the role of this variant in disease. Therefore, it has been classified as a Variant of Uncertain Significance.

GeneDx
Classification: Uncertain significance. Last evaluated: 2025-08-18. Review status: criteria provided, single submitter. Criteria: GeneDx Variant Classification Process June 2021. Collection method: clinical testing. Allele origin: germline.
Comment: In silico analysis supports that this missense variant has a deleterious effect on protein structure/function; Has not been previously published as pathogenic or benign to our knowledge

PreventionGenetics, part of Exact Sciences
Classification: Uncertain significance for MYO3A-related condition. Last evaluated: 2025-06-05. Review status: criteria provided, single submitter. Criteria: ACMG Guidelines, 2015. Collection method: clinical testing. Allele origin: germline.
Comment: The MYO3A c.3190G>A variant is predicted to result in the amino acid substitution p.Ala1064Thr. To our knowledge, this variant has not been reported in the literature. This variant is reported in 0.013% of alleles in individuals of European (Non-Finnish) descent in gnomAD. At this time, the clinical significance of this variant is uncertain due to the absence of conclusive functional and genetic evidence.

Blueprint Genetics
Classification: Uncertain significance. Last evaluated: 2024-01-11. Review status: criteria provided, single submitter. Criteria: ACMG Guidelines, 2015. Collection method: clinical testing. Allele origin: germline.

NM_017433.5(MYO3A):c.3190G>A (p.Ala1064Thr)

Gene: MYO3A (myosin IIIA; plus strand). Cytogenetic location: 10p12.1.
Variant type: single nucleotide variant.
Coding change: c.3190G>A on transcript NM_017433.5 (MANE Select); coding-DNA position 3190, G replaced by A.
Protein change: p.Ala1064Thr; replaces alanine 1064 with threonine.
Molecular consequence: missense variant.
Genome position (GRCh38, 1-based): chr10:26,168,790, G>A. VCF-style: chr10-26168790-G-A. GRCh37 (hg19) VCF-style: chr10-26457719-G-A.
Other names: c.3190G>A (NM_017433.4); short protein forms A1064T.
Identifiers: ClinVar variation 2085928 (VCV002085928.7), dbSNP rs149468017, ClinGen allele CA5445198.